The following is an entry in ClinVar:

ClinVar aggregate classification (germline): Likely benign. Review status: criteria provided, multiple submitters, no conflicts (2 of 4 stars). 4 submissions from 4 submitters: Likely benign (4). Last evaluated 2026-01-15.

Conditions:
HERC1-related disorder. Also called: HERC1-related condition.
Inborn genetic diseases. Identifiers: MedGen C0950123, MeSH D030342.

Allele frequency attached by ClinVar (database versions not stated): 1000 Genomes Project 0.00040; 1000 Genomes Project 30x 0.00062; TOPMed 0.00090; gnomAD 0.00097 and 0.00099; gnomAD exomes 0.00130 and 0.00131; ESP Exome Variant Server 0.00132; ExAC 0.00221.
gnomAD v4.1: 2,027 of 1,609,780 alleles (0.13%); highest among the groups gnomAD compares: Non-Finnish European, 0.15%; 2 homozygotes.

Submissions (8):

Labcorp Genetics (formerly Invitae), Labcorp
Classification: Likely benign. Last evaluated: 2026-01-15. Review status: criteria provided, single submitter. Criteria: Invitae Variant Classification Sherloc (09022015). Collection method: clinical testing. Allele origin: germline.

PreventionGenetics, part of Exact Sciences
Classification: Likely benign for HERC1-related condition. Last evaluated: 2024-10-25. Review status: criteria provided, single submitter. Criteria: ACMG Guidelines, 2015. Collection method: clinical testing. Allele origin: germline.
Comment: This variant is classified as likely benign based on ACMG/AMP sequence variant interpretation guidelines (Richards et al. 2015 PMID: 25741868, with internal and published modifications).

Ambry Genetics
Classification: Likely benign for Inborn genetic diseases. Last evaluated: 2022-01-26. Review status: criteria provided, single submitter. Criteria: Ambry Variant Classification Scheme 2023. Collection method: clinical testing. Allele origin: germline.

GeneDx
Classification: Likely benign. Last evaluated: 2020-10-20. Review status: criteria provided, single submitter. Criteria: GeneDx Variant Classification Process June 2021. Collection method: clinical testing. Allele origin: germline. Affected: yes.

Dr. Peter K. Rogan Lab, Western University
No classification provided (evidence only). Condition: Papillary renal cell carcinoma type 1. Review status: no classification provided. Collection method: in vitro. Allele origin: not applicable. Functional consequence: retained intron. Not counted in ClinVar's aggregate classification.

Dr. Peter K. Rogan Lab, Western University
No classification provided (evidence only). Condition: Familial cancer of breast. Review status: no classification provided. Collection method: in vitro. Allele origin: not applicable. Functional consequence: retained intron. Not counted in ClinVar's aggregate classification.

Dr. Peter K. Rogan Lab, Western University
No classification provided (evidence only). Condition: Familial cancer of breast. Review status: no classification provided. Collection method: in vitro. Allele origin: not applicable. Functional consequence: retained intron. Not counted in ClinVar's aggregate classification.

Dr. Peter K. Rogan Lab, Western University
No classification provided (evidence only). Condition: Thyroid cancer, nonmedullary, 1. Review status: no classification provided. Collection method: in vitro. Allele origin: not applicable. Functional consequence: retained intron. Not counted in ClinVar's aggregate classification.

NM_003922.4(HERC1):c.11231G>A (p.Arg3744Gln)

Gene: HERC1 (HECT and RLD domain containing E3 ubiquitin protein ligase family member 1; minus strand). Cytogenetic location: 15q22.31.
Variant type: single nucleotide variant.
Coding change: c.11231G>A on transcript NM_003922.4 (MANE Select); coding-DNA position 11231, G replaced by A.
Protein change: p.Arg3744Gln; replaces arginine 3744 with glutamine.
Molecular consequence: missense variant.
Genome position (GRCh38, 1-based): chr15:63,643,504, C>T on the plus strand (G>A on the coding strand, the complement: HERC1 is on the minus strand). VCF-style: chr15-63643504-C-T. GRCh37 (hg19) VCF-style: chr15-63935703-C-T.
Other names: short protein forms R3744Q.
Identifiers: ClinVar variation 708024 (VCV000708024.14), dbSNP rs200742146, ClinGen allele CA7604271.